The following is an entry in ClinVar:

NM_000587.4(C7):c.2047A>T (p.Met683Leu)

Gene: C7 (complement C7; plus strand). Cytogenetic location: 5p13.1.
Variant type: single nucleotide variant.
Coding change: c.2047A>T on transcript NM_000587.4 (MANE Select); coding-DNA position 2047, A replaced by T.
Protein change: p.Met683Leu; replaces methionine 683 with leucine.
Molecular consequence: missense variant.
Genome position (GRCh38, 1-based): chr5:40,972,567, A>T. VCF-style: chr5-40972567-A-T. GRCh37 (hg19) VCF-style: chr5-40972669-A-T.
Other names: short protein forms M683L.
Identifiers: ClinVar variation 1304375 (VCV001304375.3), dbSNP rs2111710195, ClinGen allele CA359593662.
Genomic context (GRCh38, chr5:40,972,567, plus strand): 5'-ATGTCCTTAGAAGGTCCTTCAGCATTTCTCTGTGGCTCCAGCCTTAAGTGGAGTCCTGAG[A>T]TGAAGAATGCCCGCTGTGTACAAAAAGGTGAGTGGCTTCCATGTCTATCCAAGGACACTT-3'
Protein context (NP_000578.2, residues 673-693): CGSSLKWSPE[Met683Leu]KNARCVQKEN

ClinVar aggregate classification (germline): Uncertain significance. Review status: criteria provided, multiple submitters, no conflicts (2 of 4 stars). 2 submissions from 2 submitters: Uncertain significance (2). Last evaluated 2019-07-08.

gnomAD v4.1: 8 of 1,609,954 alleles (0.0005%); highest among the groups gnomAD compares: Middle Eastern, 0.12%; no homozygotes.

Submissions (2):

GeneDx
Classification: Uncertain significance. Last evaluated: 2019-07-08. Review status: criteria provided, single submitter. Criteria: GeneDx Variant Classification Process June 2021. Collection method: clinical testing. Allele origin: germline. Affected: yes.
Comment: Not observed in large population cohorts (Lek et al., 2016); In silico analysis, which includes protein predictors and evolutionary conservation, supports that this variant does not alter protein structure/function; Has not been previously published as pathogenic or benign to our knowledge

Breakthrough Genomics
Classification: Uncertain significance. Review status: criteria provided, single submitter. Criteria: ACMG Guidelines, 2015. Collection method: not provided. Allele origin: germline. Inheritance: Unknown mechanism. Affected: yes.